The following is an entry in ClinVar:

ClinVar aggregate classification (germline): Uncertain significance (1 of 4 stars; one submission).

Conditions:
Hereditary spastic paraplegia 3A (SPG3A). Also called: Spastic Paraplegia 3A; Spastic paraplegia 3A, autosomal dominant; SPASTIC PARAPLEGIA 3, AUTOSOMAL DOMINANT; FAMILIAL SPASTIC PARAPLEGIA, AUTOSOMAL DOMINANT, 1; SPG3; STRUMPELL DISEASE. Identifiers: Orphanet 100984, MedGen C2931355, MONDO:0008437, OMIM 182600.

Allele frequency attached by ClinVar (database versions not stated): ExAC 0.00001; gnomAD 0.00001.
gnomAD v4.1: 2 of 1,613,928 alleles (0.00012%); highest among the groups gnomAD compares: East Asian, 0.0022%; no homozygotes.

Submission:

Labcorp Genetics (formerly Invitae), Labcorp
Classification: Uncertain significance for Hereditary spastic paraplegia 3A. Last evaluated: 2025-02-26. Review status: criteria provided, single submitter. Criteria: Invitae Variant Classification Sherloc (09022015). Collection method: clinical testing. Allele origin: germline.
Comment: This sequence change replaces histidine, which is basic and polar, with glutamine, which is neutral and polar, at codon 247 of the ATL1 protein (p.His247Gln). This variant is present in population databases (rs748802949, gnomAD 0.0009%). This variant has not been reported in the literature in individuals affected with ATL1-related conditions. ClinVar contains an entry for this variant (Variation ID: 1979403). Invitae Evidence Modeling of protein sequence and biophysical properties (such as structural, functional, and spatial information, amino acid conservation, physicochemical variation, residue mobility, and thermodynamic stability) has been performed for this missense variant. However, the output from this modeling did not meet the statistical confidence thresholds required to predict the impact of this variant on ATL1 protein function. This variant disrupts the p.His247 amino acid residue in ATL1. Other variant(s) that disrupt this residue have been observed in individuals with ATL1-related conditions (PMID: 14695538, 19459885), which suggests that this may be a clinically significant amino acid residue. In summary, the available evidence is currently insufficient to determine the role of this variant in disease. Therefore, it has been classified as a Variant of Uncertain Significance.

Literature cited by the submitters: PubMed 14695538; PubMed 19459885.

NM_015915.5(ATL1):c.741T>G (p.His247Gln)

Gene: ATL1 (atlastin GTPase 1; plus strand). Cytogenetic location: 14q22.1.
Variant type: single nucleotide variant.
Coding change: c.741T>G on transcript NM_015915.5 (MANE Select); coding-DNA position 741, T replaced by G.
Protein change: p.His247Gln; replaces histidine 247 with glutamine.
Molecular consequence: missense variant.
Genome position (GRCh38, 1-based): chr14:50,614,390, T>G. VCF-style: chr14-50614390-T-G. GRCh37 (hg19) VCF-style: chr14-51081108-T-G.
Other names: c.741T>G, p.His247Gln (NM_001127713.1, NM_181598.4); short protein forms H247Q.
Identifiers: ClinVar variation 1979403 (VCV001979403.4), dbSNP rs748802949, ClinGen allele CA7180339.
Genomic context (GRCh38, chr14:50,614,390, plus strand): 5'-TTTGTGATGAAAGTAGTTTAAACTTCAGAATGATTTACTGCAGGTCTCAGGGAACCAGCA[T>G]GAAGAACTACAGAACGTCAGAAAACACATCCATTCCTGTTTCACCAACATTTCCTGTTTT-3'
Protein context (NP_056999.2, residues 237-257): EKRLKVSGNQ[His247Gln]EELQNVRKHI